The following is an entry in ClinVar:

ClinVar aggregate classification (germline): Uncertain significance (1 of 4 stars; one submission).

Conditions:
Hereditary cancer-predisposing syndrome. Also called: Neoplastic Syndromes, Hereditary; Tumor predisposition; Hereditary neoplastic syndrome; Hereditary Cancer Syndrome. Identifiers: Orphanet 140162, MedGen C0027672, MeSH D009386, MONDO:0015356.
Familial thoracic aortic aneurysm and aortic dissection (TAAD). Also called: Thoracic aortic aneurysms and dissections. Identifiers: Orphanet 91387, MedGen C4707243, MONDO:0019625.

Submission:

Ambry Genetics
Classification: Uncertain significance for Hereditary cancer-predisposing syndrome; Familial thoracic aortic aneurysm and aortic dissection. Last evaluated: 2023-08-20. Review status: criteria provided, single submitter. Criteria: Ambry Variant Classification Scheme 2023. Collection method: clinical testing. Allele origin: germline.
Comment: The c.690_692dupGGG variant (also known as p.G231dup), located in coding exon 5 of the SMAD4 gene, results from an in-frame duplication of GGG at nucleotide positions 690 to 692. This results in the duplication of an extra residue between codons 231 and 232. This amino acid position is highly conserved in available vertebrate species. In addition, this alteration is predicted to be neutral by in silico analysis (Choi Y et al. PLoS ONE. 2012; 7(10):e46688). Since supporting evidence is limited at this time, the clinical significance of this alteration remains unclear.

NM_005359.6(SMAD4):c.690_692dup (p.Gly231_Ser232insGly)

Gene: SMAD4 (SMAD family member 4; plus strand). Cytogenetic location: 18q21.2.
Variant type: Duplication.
Coding change: c.690_692dup on transcript NM_005359.6 (MANE Select); coding-DNA positions 690 to 692, 3 bases duplicated (GGG; older notation c.690_692dupGGG).
Protein change: p.Gly231_Ser232insGly.
Molecular consequence: inframe insertion. On other transcripts: non-coding transcript variant (2), inframe indel (1).
Genome position (GRCh38, 1-based): chr18:51,058,147-51,058,149, GGG duplicated; duplicating any 3 consecutive bases within chr18:51,058,144-51,058,149 gives the same sequence; the c. name uses the placement nearest the transcript's 3' end. VCF-style (leftmost placement, unchanged base first): chr18-51058143-T-TGGG. GRCh37 (hg19) VCF-style: chr18-48584513-T-TGGG.
Other names: c.690_692dup, p.Gly231_Ser232insGly (NM_001407041.1, NM_001407042.1, NM_001407043.1); c.690_692dupGGG (NM_005359.5).
Identifiers: ClinVar variation 3238425 (VCV003238425.1), dbSNP rs377767334.